The following is an entry in ClinVar:

ClinVar aggregate classification (germline): Uncertain significance (1 of 4 stars; one submission).

Conditions:
Ehlers-Danlos syndrome, classic type, 1 (EDSCL1). Also called: EHLERS-DANLOS SYNDROME, GRAVIS TYPE; EHLERS-DANLOS SYNDROME, SEVERE CLASSIC TYPE; Ehlers-Danlos syndrome, type 1; Ehlers-Danlos Syndrome, Classic Type, COL5A1-Related; EDS I. Identifiers: MedGen C0268335, MONDO:0019567, OMIM 130000.

Submission:

Labcorp Genetics (formerly Invitae), Labcorp
Classification: Uncertain significance for Ehlers-Danlos syndrome, classic type, 1. Last evaluated: 2024-02-04. Review status: criteria provided, single submitter. Criteria: Invitae Variant Classification Sherloc (09022015). Collection method: clinical testing. Allele origin: germline.
Comment: This sequence change replaces proline, which is neutral and non-polar, with histidine, which is basic and polar, at codon 1112 of the COL5A1 protein (p.Pro1112His). This variant is not present in population databases (gnomAD no frequency). This variant has not been reported in the literature in individuals affected with COL5A1-related conditions. Advanced modeling of protein sequence and biophysical properties (such as structural, functional, and spatial information, amino acid conservation, physicochemical variation, residue mobility, and thermodynamic stability) performed at Invitae indicates that this missense variant is expected to disrupt COL5A1 protein function with a positive predictive value of 80%. In summary, the available evidence is currently insufficient to determine the role of this variant in disease. Therefore, it has been classified as a Variant of Uncertain Significance.

NM_000093.5(COL5A1):c.3335C>A (p.Pro1112His)

Gene: COL5A1 (collagen type V alpha 1 chain; plus strand). Cytogenetic location: 9q34.3.
Variant type: single nucleotide variant.
Coding change: c.3335C>A on transcript NM_000093.5 (MANE Select); coding-DNA position 3335, C replaced by A.
Protein change: p.Pro1112His; replaces proline 1112 with histidine.
Molecular consequence: missense variant.
Genome position (GRCh38, 1-based): chr9:134,806,265, C>A. VCF-style: chr9-134806265-C-A. GRCh37 (hg19) VCF-style: chr9-137698111-C-A.
Other names: c.3335C>A, p.Pro1112His (NM_001278074.1); short protein forms P1112H.
Identifiers: ClinVar variation 3638750 (VCV003638750.2).